The following is an entry in ClinVar:

NM_000030.3(AGXT):c.326G>A (p.Gly109Glu)

Gene: AGXT (alanine--glyoxylate aminotransferase; plus strand). Cytogenetic location: 2q37.3.
Variant type: single nucleotide variant.
Coding change: c.326G>A on transcript NM_000030.3 (MANE Select); coding-DNA position 326, G replaced by A.
Protein change: p.Gly109Glu; replaces glycine 109 with glutamic acid.
Molecular consequence: missense variant.
Genome position (GRCh38, 1-based): chr2:240,869,330, G>A. VCF-style: chr2-240869330-G-A. GRCh37 (hg19) VCF-style: chr2-241808747-G-A.
Other names: short protein forms G109E.
Identifiers: ClinVar variation 2681162 (VCV002681162.1), dbSNP rs180177199, ClinGen allele CA351313863.

ClinVar aggregate classification (germline): Likely pathogenic (1 of 4 stars; one submission).

Conditions:
Primary hyperoxaluria, type I (HP1). Also called: OXALOSIS I; Primary hyperoxaluria type 1; GLYCOLIC ACIDURIA; HEPATIC AGT DEFICIENCY. Identifiers: Orphanet 416, Orphanet 93598, MedGen C0268164, MONDO:0009823, OMIM 259900. Disease mechanism: loss of function.

Submission:

Clinical Biochemistry Laboratory, Health Services Laboratory
Classification: Likely pathogenic for Primary hyperoxaluria, type I. Last evaluated: 2023-10-27. Review status: criteria provided, single submitter. Criteria: ACMG Guidelines, 2015. Collection method: curation. Allele origin: germline. Affected: yes.
Comment: ACMG:PM2 PM5 PP3 PP4

Literature cited by the submitters: PubMed 35678848.